The following is an entry in ClinVar:

ClinVar aggregate classification (germline): Uncertain significance (1 of 4 stars; one submission).

Conditions:
Vitamin B2 deficiency. Identifiers: MedGen C0035528.

Allele frequency attached by ClinVar (database versions not stated): gnomAD 0.00001; gnomAD exomes 0.00001; TOPMed 0.00001.

Submission:

Labcorp Genetics (formerly Invitae), Labcorp
Classification: Uncertain significance for Vitamin B2 deficiency. Last evaluated: 2024-09-22. Review status: criteria provided, single submitter. Criteria: Invitae Variant Classification Sherloc (09022015). Collection method: clinical testing. Allele origin: germline.
Comment: This sequence change replaces serine, which is neutral and polar, with asparagine, which is neutral and polar, at codon 194 of the SLC52A1 protein (p.Ser194Asn). This variant is not present in population databases (gnomAD no frequency). This variant has not been reported in the literature in individuals affected with SLC52A1-related conditions. ClinVar contains an entry for this variant (Variation ID: 1057853). Invitae Evidence Modeling of protein sequence and biophysical properties (such as structural, functional, and spatial information, amino acid conservation, physicochemical variation, residue mobility, and thermodynamic stability) indicates that this missense variant is not expected to disrupt SLC52A1 protein function with a negative predictive value of 80%. In summary, the available evidence is currently insufficient to determine the role of this variant in disease. Therefore, it has been classified as a Variant of Uncertain Significance.

NM_017986.4(SLC52A1):c.581G>A (p.Ser194Asn)

Gene: SLC52A1 (solute carrier family 52 member 1; minus strand). Cytogenetic location: 17p13.2.
Variant type: single nucleotide variant.
Coding change: c.581G>A on transcript NM_017986.4 (MANE Select); coding-DNA position 581, G replaced by A.
Protein change: p.Ser194Asn; replaces serine 194 with asparagine.
Molecular consequence: missense variant.
Genome position (GRCh38, 1-based): chr17:5,033,908, C>T on the plus strand (G>A on the coding strand, the complement: SLC52A1 is on the minus strand). VCF-style: chr17-5033908-C-T. GRCh37 (hg19) VCF-style: chr17-4937203-C-T.
Other names: c.581G>A, p.Ser194Asn (NM_001104577.2); short protein forms S194N.
Identifiers: ClinVar variation 1057853 (VCV001057853.10), dbSNP rs200459465, ClinGen allele CA287195094.
Genomic context (GRCh38, chr17:5,033,908, plus strand): 5'-AGACCCCGGAAGGCGGCAGCTGAAGTGACCAGAAGGGCAGTCAGTGCCCAGAAGAAGGTG[C>T]TGGCAGGAAAACGCTCAGGGAAGTCGAGGGGAGGCCCAGAGGTGCCATTGGTGGGCGCTG-3'
Protein context (NP_060456.3, residues 184-204): PLDFPERFPA[Ser194Asn]TFFWALTALL